The following is an entry in ClinVar:

ClinVar aggregate classification (germline): Likely benign (0 of 4 stars; one submission).

Conditions:
HNMT-related disorder. Also called: HNMT-related condition.

Allele frequency attached by ClinVar (database versions not stated): gnomAD exomes 0.00005; ExAC 0.00016; gnomAD 0.00039; TOPMed 0.00039; ESP Exome Variant Server 0.00054; 1000 Genomes Project 30x 0.00109; 1000 Genomes Project 0.00120.
gnomAD v4.1: 124 of 1,574,634 alleles (0.0079%); highest among the groups gnomAD compares: African/African-American, 0.15%; no homozygotes.

Submission:

PreventionGenetics, part of Exact Sciences
Classification: Likely benign for HNMT-related condition. Last evaluated: 2022-02-18. Review status: no assertion criteria provided. Collection method: clinical testing. Allele origin: germline.
Comment: This variant is classified as likely benign based on ACMG/AMP sequence variant interpretation guidelines (Richards et al. 2015 PMID: 25741868, with internal and published modifications).

NM_006895.3(HNMT):c.863T>C (p.Ile288Thr)

Gene: HNMT (histamine N-methyltransferase; plus strand). Cytogenetic location: 2q22.1.
Variant type: single nucleotide variant.
Coding change: c.863T>C on transcript NM_006895.3 (MANE Select); coding-DNA position 863, T replaced by C.
Protein change: p.Ile288Thr; replaces isoleucine 288 with threonine.
Molecular consequence: missense variant.
Genome position (GRCh38, 1-based): chr2:138,014,114, T>C. VCF-style: chr2-138014114-T-C. GRCh37 (hg19) VCF-style: chr2-138771684-T-C.
Other names: short protein forms I288T.
Identifiers: ClinVar variation 3036881 (VCV003036881.2), dbSNP rs113138471, ClinGen allele CA1891858.
Genomic context (GRCh38, chr2:138,014,114, plus strand): 5'-AGCCTGAATTTAGTGCTAAGAAAGAGGGGAAGGTTCTTTTTAATAATACTCTGAGTTTCA[T>C]AGTGATTGAGGCATAACTATCAATCACAAAAGTATATTCAAAAATTATATTTTGAACAAC-3'
Protein context (NP_008826.1, residues 278-292): KVLFNNTLSF[Ile288Thr]VIEA